The following is an entry in ClinVar:

ClinVar aggregate classification (germline): Benign/Likely benign. Review status: criteria provided, multiple submitters, no conflicts (2 of 4 stars). 3 submissions from 3 submitters: Benign (1); Likely benign (2). Last evaluated 2026-08-03.

Conditions:
Familial colorectal cancer type X. Identifiers: Orphanet 440437, MedGen C3896578, MONDO:0018604.

Allele frequency attached by ClinVar (database versions not stated): gnomAD exomes below 0.00001; TOPMed 0.00002; gnomAD 0.00001.

Submissions (3):

Myriad Genetics, Inc.
Classification: Benign for Familial colorectal cancer type X. Last evaluated: 2026-08-03. Review status: criteria provided, single submitter. Criteria: Myriad Autosomal Dominant, Autosomal Recessive and X-Linked Classification Criteria (2023). Collection method: clinical testing. Allele origin: unknown.
Comment: This variant is considered benign. This variant is a silent/synonymous amino acid change and it is not expected to impact splicing.

Ambry Genetics
Classification: Likely benign. Last evaluated: 2024-01-27. Review status: criteria provided, single submitter. Criteria: Ambry Variant Classification Scheme 2023. Collection method: clinical testing. Allele origin: germline.

Labcorp Genetics (formerly Invitae), Labcorp
Classification: Likely benign. Last evaluated: 2021-02-25. Review status: criteria provided, single submitter. Criteria: Invitae Variant Classification Sherloc (09022015). Collection method: clinical testing. Allele origin: germline.

NM_001023.4(RPS20):c.78C>T (p.Ser26=)

Gene: RPS20 (ribosomal protein S20; minus strand). Cytogenetic location: 8q12.1.
Variant type: single nucleotide variant.
Coding change: c.78C>T on transcript NM_001023.4 (MANE Select); coding-DNA position 78, C replaced by T.
Protein change: p.Ser26=; no amino-acid change (serine 26 retained).
Molecular consequence: synonymous variant.
Genome position (GRCh38, 1-based): chr8:56,074,085, G>A on the plus strand (C>T on the coding strand, the complement: RPS20 is on the minus strand). VCF-style: chr8-56074085-G-A. GRCh37 (hg19) VCF-style: chr8-56986644-G-A.
Other names: c.78C>T, p.Ser26= (NM_001146227.3); c.78C>T (NM_001023.3).
Identifiers: ClinVar variation 1578803 (VCV001578803.10), dbSNP rs947455252, ClinGen allele CA177250351.